The following is an entry in ClinVar:

NM_024675.4(PALB2):c.1641C>T (p.Thr547=)

Gene: PALB2 (partner and localizer of BRCA2; minus strand). Cytogenetic location: 16p12.2.
Variant type: single nucleotide variant.
Coding change: c.1641C>T on transcript NM_024675.4 (MANE Select); coding-DNA position 1641, C replaced by T.
Protein change: p.Thr547=; no amino-acid change (threonine 547 retained).
Molecular consequence: synonymous variant.
Genome position (GRCh38, 1-based): chr16:23,634,905, G>A on the plus strand (C>T on the coding strand, the complement: PALB2 is on the minus strand). VCF-style: chr16-23634905-G-A. GRCh37 (hg19) VCF-style: chr16-23646226-G-A.
Other names: p.T547T:ACC>ACT.
Identifiers: ClinVar variation 182752 (VCV000182752.28), dbSNP rs564514783, ClinGen allele CA299684.

ClinVar aggregate classification (germline): Benign/Likely benign. Review status: criteria provided, multiple submitters, no conflicts (2 of 4 stars). 9 submissions from 9 submitters: Benign (2); Likely benign (7). Last evaluated 2026-01-19.

Conditions:
Hereditary cancer-predisposing syndrome. Also called: Tumor predisposition; Neoplastic Syndromes, Hereditary; Hereditary neoplastic syndrome; Hereditary Cancer Syndrome. Identifiers: Orphanet 140162, MedGen C0027672, MeSH D009386, MONDO:0015356.
Familial cancer of breast. Also called: BREAST CANCER, FAMILIAL; hereditary breast carcinoma; Hereditary breast cancer. Identifiers: Orphanet 227535, MedGen C0346153, MONDO:0016419, OMIM 114480. Disease mechanism: loss of function.

Allele frequency attached by ClinVar (database versions not stated): ExAC 0.00001; gnomAD exomes 0.00001 and 0.00002; gnomAD 0.00010 and 0.00013; 1000 Genomes Project 30x 0.00016; 1000 Genomes Project 0.00020; TOPMed 0.00029.
gnomAD v4.1: 29 of 1,614,094 alleles (0.0018%); highest among the groups gnomAD compares: Admixed American, 0.037%; no homozygotes.

Submissions (9):

Labcorp Genetics (formerly Invitae), Labcorp
Classification: Likely benign for Familial cancer of breast. Last evaluated: 2026-01-19. Review status: criteria provided, single submitter. Criteria: Invitae Variant Classification Sherloc (09022015). Collection method: clinical testing. Allele origin: germline.

Quest Diagnostics Nichols Institute San Juan Capistrano
Classification: Likely benign. Last evaluated: 2025-03-03. Review status: criteria provided, single submitter. Criteria: Quest Diagnostics criteria. Collection method: clinical testing. Allele origin: unknown.

Myriad Genetics, Inc.
Classification: Benign for Familial cancer of breast. Last evaluated: 2025-01-14. Review status: criteria provided, single submitter. Criteria: Myriad Autosomal Dominant, Autosomal Recessive and X-Linked Classification Criteria (2023). Collection method: clinical testing. Allele origin: unknown.
Comment: This variant is considered benign. This variant is a silent/synonymous amino acid change and it is not expected to impact splicing.

Blueprint Genetics
Classification: Likely benign. Last evaluated: 2021-06-25. Review status: criteria provided, single submitter. Criteria: ACMG Guidelines, 2015. Collection method: clinical testing. Allele origin: germline.

Sema4
Classification: Likely benign for Hereditary cancer-predisposing syndrome. Last evaluated: 2020-10-15. Review status: criteria provided, single submitter. Criteria: Sema4 Curation Guidelines. Collection method: curation. Allele origin: germline.

Women's Health and Genetics/Laboratory Corporation of America, LabCorp
Classification: Likely benign. Last evaluated: 2019-08-02. Review status: criteria provided, single submitter. Criteria: LabCorp Variant Classification Summary - May 2015. Collection method: clinical testing. Allele origin: germline.

Color Diagnostics, LLC DBA Color Health
Classification: Likely benign for Hereditary cancer-predisposing syndrome. Last evaluated: 2017-06-22. Review status: criteria provided, single submitter. Criteria: ACMG Guidelines, 2015. Collection method: clinical testing. Allele origin: germline.

Ambry Genetics
Classification: Likely benign for Hereditary cancer-predisposing syndrome. Last evaluated: 2015-01-20. Review status: criteria provided, single submitter. Criteria: Ambry Variant Classification Scheme 2023. Collection method: clinical testing. Allele origin: germline.

GeneDx
Classification: Benign. Last evaluated: 2014-08-15. Review status: criteria provided, single submitter. Criteria: GeneDx Variant Classification (06012015). Collection method: clinical testing. Allele origin: germline. Affected: yes.
Comment: This variant is considered likely benign or benign based on one or more of the following criteria: it is a conservative change, it occurs at a poorly conserved position in the protein, it is predicted to be benign by multiple in silico algorithms, and/or has population frequency not consistent with disease.